The following is an entry in ClinVar:

NC_000014.8:g.(?_78045288)_(78045462_?)dup

Gene: SPTLC2 (serine palmitoyltransferase long chain base subunit 2; minus strand). Cytogenetic location: 14q24.3.
Variant type: Duplication.
Identifiers: ClinVar variation 662840 (VCV000662840.6).

ClinVar aggregate classification (germline): Uncertain significance (1 of 4 stars; one submission).

Conditions:
Neuropathy, hereditary sensory and autonomic, type 1C. Also called: HSAN IC; HSN IC. Identifiers: Orphanet 36386, MedGen C3150896, MONDO:0013337, OMIM 613640.

Submission:

Labcorp Genetics (formerly Invitae), Labcorp
Classification: Uncertain significance for Neuropathy, hereditary sensory and autonomic, type 1C. Last evaluated: 2018-12-25. Review status: criteria provided, single submitter. Criteria: Invitae Variant Classification Sherloc (09022015). Collection method: clinical testing. Allele origin: germline.
Comment: In summary, the available evidence is currently insufficient to determine the role of this variant in disease. Therefore, it has been classified as a Variant of Uncertain Significance. The current clinical and genetic evidence is not sufficient to establish whether loss-of-function variants in SPTLC2 cause disease. This variant has not been reported in the literature in individuals with SPTLC2-related conditions. This variant results in a copy number gain of the genomic region encompassing exon 3 of the SPTLC2 gene. While the exact position of this variant cannot be determined from this data, sub-genic copy number gains are generally in tandem (PMID: 25640679) and may result in an absent or disrupted protein product.

Literature cited by the submitters: PubMed 25640679.